The following is an entry in ClinVar:

ClinVar aggregate classification (germline): Pathogenic (1 of 4 stars; one submission).

Conditions:
Familial intrahepatic cholestasis. Identifiers: Orphanet 284385, MedGen CN296401, MONDO:0017290.

Submission:

Genomenon, Inc
Classification: Pathogenic for Familial intrahepatic cholestasis. Last evaluated: 2026-04-14. Review status: criteria provided, single submitter. Criteria: Genomenon Sequence Variant Interpretation Standards - Updated. Collection method: curation. Allele origin: germline. Affected: yes.
Comment: ABCB11 c.77-1G>A is a canonical splice variant affecting the acceptor splice site of intron 2. It is predicted to affect mRNA splicing, leading to a deleterious effect on the ABCB11 protein. This variant has been observed in at least one proband with an ABCB11-related disorder (PMID:37361697). It is absent or not present at a significant frequency in gnomAD. In conclusion, we classify ABCB11 c.77-1G>A as a pathogenic variant.

Literature cited by the submitters: PubMed 37361697.

NM_003742.4(ABCB11):c.77-1G>A

Gene: ABCB11 (ATP binding cassette subfamily B member 11; minus strand). Cytogenetic location: 2q31.1.
Variant type: single nucleotide variant.
Coding change: c.77-1G>A on transcript NM_003742.4 (MANE Select); the canonical splice acceptor site of the intron before coding-DNA position 77, G replaced by A.
Molecular consequence: splice acceptor variant.
Genome position (GRCh38, 1-based): chr2:169,016,800, C>T on the plus strand (G>A on the coding strand, the complement: ABCB11 is on the minus strand). VCF-style: chr2-169016800-C-T. GRCh37 (hg19) VCF-style: chr2-169873310-C-T.
Identifiers: ClinVar variation 4846721 (VCV004846721.1).